The following is an entry in ClinVar:

NM_198525.3(KIF7):c.3472_3474del (p.Lys1158del)

Genes: KIF7 (kinesin family member 7; minus strand), LOC126862216 (BRD4-independent group 4 enhancer GRCh37_chr15:90171995-90173194; plus strand). Cytogenetic location: 15q26.1.
Variant type: Deletion.
Coding change: c.3472_3474del on transcript NM_198525.3 (MANE Select); coding-DNA positions 3472 to 3474, 3 bases deleted (AAG; older notation c.3472_3474delAAG).
Protein change: p.Lys1158del; deletes lysine 1158.
Genome position (GRCh38, 1-based): chr15:89,629,418-89,629,420, CTT deleted on the plus strand (AAG on the coding strand, the reverse complement: KIF7 is on the minus strand); deleting any 3 consecutive bases within chr15:89,629,418-89,629,422 gives the same sequence; the c. name uses the placement nearest the transcript's 3' end. VCF-style (leftmost placement, unchanged base first): chr15-89629417-CCTT-C. GRCh37 (hg19) VCF-style: chr15-90172648-CCTT-C.
Other names: c.3472_3474delAAG (NM_198525.3); short protein forms K1158del.
Identifiers: ClinVar variation 3372099 (VCV003372099.2).
Genomic context (GRCh38, chr15:89,629,417, plus strand): 5'-ATGGGCCGGGCTGCTCACCTCGACTCTGCTGCAGGAGCAGCTGCATGTTCTGCTCGTGCT[CCTT>C]CTGCTGCAGGGTCAGCTGGCGGTCCATCTCCAGGCGCTGCCGCTCCAGGGCCACCTCCAG-3'

ClinVar aggregate classification (germline): Uncertain significance. Review status: criteria provided, multiple submitters, no conflicts (2 of 4 stars). 2 submissions from 2 submitters: Uncertain significance (2). Last evaluated 2025-06-05.

Submissions (2):

Women's Health and Genetics/Laboratory Corporation of America, LabCorp
Classification: Uncertain significance. Last evaluated: 2025-06-05. Review status: criteria provided, single submitter. Criteria: LabCorp Variant Classification Summary - May 2015. Collection method: clinical testing. Allele origin: germline.
Comment: Variant summary: KIF7 c.3472_3474delAAG (p.Lys1158del) results in an in-frame deletion that is predicted to remove one amino acid from the encoded protein. The variant allele was found at a frequency of 8.1e-06 in 245904 control chromosomes (gnomAD). The available data on variant occurrences in the general population are insufficient to allow any conclusion about variant significance. c.3472_3474delAAG has been observed in one individual affected with autism spectrum disorder (Hu_2022). The report does not provide unequivocal conclusions about association of the variant with Acrocallosal Syndrome/Joubert Syndrome 12. To our knowledge, no experimental evidence demonstrating an impact on protein function has been reported. The following publication have been ascertained in the context of this evaluation (PMID: 35741772). ClinVar contains an entry for this variant (Variation ID: 3372099). Based on the evidence outlined above, the variant was classified as uncertain significance.

GeneDx
Classification: Uncertain significance. Last evaluated: 2024-04-10. Review status: criteria provided, single submitter. Criteria: GeneDx Variant Classification Process June 2021. Collection method: clinical testing. Allele origin: germline. Affected: yes.
Comment: In-frame deletion of 1 amino acids in a non-repeat region; Not observed at significant frequency in large population cohorts (gnomAD); In silico analysis supports a deleterious effect on protein structure/function; This variant is associated with the following publications: (PMID: 35741772)

Literature cited by the submitters: PubMed 35741772 (cited by Women's Health and Genetics/Laboratory Corporation of America, LabCorp).